The following is an entry in ClinVar:

NM_004655.4(AXIN2):c.2328A>G (p.Pro776=)

Gene: AXIN2 (axin 2; minus strand). Cytogenetic location: 17q24.1.
Variant type: single nucleotide variant.
Coding change: c.2328A>G on transcript NM_004655.4 (MANE Select); coding-DNA position 2328, A replaced by G.
Protein change: p.Pro776=; no amino-acid change (proline 776 retained).
Molecular consequence: synonymous variant.
Genome position (GRCh38, 1-based): chr17:65,533,989, T>C on the plus strand (A>G on the coding strand, the complement: AXIN2 is on the minus strand). VCF-style: chr17-65533989-T-C. GRCh37 (hg19) VCF-style: chr17-63530107-T-C.
Other names: c.2133A>G, p.Pro711= (NM_001363813.1).
Identifiers: ClinVar variation 1789668 (VCV001789668.6), dbSNP rs2509389210, ClinGen allele CA501475938.

ClinVar aggregate classification (germline): Benign/Likely benign. Review status: criteria provided, multiple submitters, no conflicts (2 of 4 stars). 4 submissions from 4 submitters: Benign (1); Likely benign (3). Last evaluated 2025-09-03.

Conditions:
Hereditary cancer-predisposing syndrome. Also called: Hereditary Cancer Syndrome; Hereditary neoplastic syndrome; Tumor predisposition; Neoplastic Syndromes, Hereditary. Identifiers: Orphanet 140162, MedGen C0027672, MeSH D009386, MONDO:0015356.
Oligodontia-cancer predisposition syndrome. Also called: TOOTH AGENESIS-COLORECTAL CANCER SYNDROME. Identifiers: Orphanet 300576, MedGen C1837750, MONDO:0012075, OMIM 608615. Disease mechanism: loss of function.

Submissions (4):

Labcorp Genetics (formerly Invitae), Labcorp
Classification: Likely benign for Oligodontia-cancer predisposition syndrome. Last evaluated: 2025-09-03. Review status: criteria provided, single submitter. Criteria: Invitae Variant Classification Sherloc (09022015). Collection method: clinical testing. Allele origin: germline.

Quest Diagnostics Nichols Institute San Juan Capistrano
Classification: Likely benign. Last evaluated: 2025-06-13. Review status: criteria provided, single submitter. Criteria: Quest Diagnostics criteria. Collection method: clinical testing. Allele origin: unknown.

Myriad Genetics, Inc.
Classification: Benign for Oligodontia-cancer predisposition syndrome. Last evaluated: 2024-07-10. Review status: criteria provided, single submitter. Criteria: Myriad Autosomal Dominant, Autosomal Recessive and X-Linked Classification Criteria (2023). Collection method: clinical testing. Allele origin: unknown.
Comment: This variant is considered benign. This variant is a silent/synonymous amino acid change and it is not expected to impact splicing.

Ambry Genetics
Classification: Likely benign for Hereditary cancer-predisposing syndrome. Last evaluated: 2019-08-16. Review status: criteria provided, single submitter. Criteria: Ambry Variant Classification Scheme 2023. Collection method: clinical testing. Allele origin: germline.